The following is an entry in ClinVar:

ClinVar aggregate classification (germline): Uncertain significance. Review status: criteria provided, multiple submitters, no conflicts (2 of 4 stars). 2 submissions from 2 submitters: Uncertain significance (2). Last evaluated 2025-08-27.

Conditions:
Hereditary cancer-predisposing syndrome. Also called: Neoplastic Syndromes, Hereditary; Tumor predisposition; Hereditary Cancer Syndrome; Hereditary neoplastic syndrome. Identifiers: Orphanet 140162, MedGen C0027672, MeSH D009386, MONDO:0015356.
Familial adenomatous polyposis 2. Also called: MUTYH Polyposis; COLORECTAL ADENOMATOUS POLYPOSIS, AUTOSOMAL RECESSIVE; ADENOMAS, MULTIPLE COLORECTAL, AUTOSOMAL RECESSIVE; MUTYH-associated polyposis; MYH-associated polyposis; MUTYH-related attenuated familial adenomatous polyposis. Identifiers: Orphanet 220460, Orphanet 247798, MedGen C3272841, MONDO:0012041, OMIM 608456.

Submissions (2):

Ambry Genetics
Classification: Uncertain significance for Hereditary cancer-predisposing syndrome. Last evaluated: 2025-08-27. Review status: criteria provided, single submitter. Criteria: Ambry Variant Classification Scheme 2023. Collection method: clinical testing. Allele origin: germline.
Comment: The p.E370D variant (also known as c.1110G>C), located in coding exon 12 of the MUTYH gene, results from a G to C substitution at nucleotide position 1110. The glutamic acid at codon 370 is replaced by aspartic acid, an amino acid with highly similar properties. This amino acid position is conserved. In addition, this alteration is predicted to be tolerated by in silico analysis. Based on the available evidence, the clinical significance of this variant remains unclear.

Labcorp Genetics (formerly Invitae), Labcorp
Classification: Uncertain significance for Familial adenomatous polyposis 2. Last evaluated: 2022-02-01. Review status: criteria provided, single submitter. Criteria: Invitae Variant Classification Sherloc (09022015). Collection method: clinical testing. Allele origin: germline.
Comment: Algorithms developed to predict the effect of missense changes on protein structure and function are either unavailable or do not agree on the potential impact of this missense change (SIFT: "Deleterious"; PolyPhen-2: "Possibly Damaging"; Align-GVGD: "Class C15"). This variant has not been reported in the literature in individuals affected with MUTYH-related conditions. This variant is not present in population databases (gnomAD no frequency). In summary, the available evidence is currently insufficient to determine the role of this variant in disease. Therefore, it has been classified as a Variant of Uncertain Significance. This sequence change replaces glutamic acid, which is acidic and polar, with aspartic acid, which is acidic and polar, at codon 370 of the MUTYH protein (p.Glu370Asp).

NM_001048174.2(MUTYH):c.1026G>C (p.Glu342Asp)

Gene: MUTYH (mutY DNA glycosylase; minus strand). Cytogenetic location: 1p34.1.
Variant type: single nucleotide variant.
Coding change: c.1026G>C on transcript NM_001048174.2 (MANE Select); coding-DNA position 1026, G replaced by C.
Protein change: p.Glu342Asp; replaces glutamic acid 342 with aspartic acid.
Molecular consequence: missense variant. On other transcripts: non-coding transcript variant (2).
Genome position (GRCh38, 1-based): chr1:45,331,737, C>G on the plus strand (G>C on the coding strand, the complement: MUTYH is on the minus strand). VCF-style: chr1-45331737-C-G. GRCh37 (hg19) VCF-style: chr1-45797409-C-G.
Other names: c.1026G>C, p.Glu342Asp (NM_001407072.1, NM_001407073.1, NM_001407081.1 and 6 more transcripts); c.942G>C, p.Glu314Asp (NM_001407075.1); c.1059G>C, p.Glu353Asp (NM_001407077.1, NM_001293191.2, NM_001407069.1); c.1029G>C, p.Glu343Asp (NM_001407078.1, NM_001048172.2, NM_001407071.1 and 1 more transcripts); c.987G>C, p.Glu329Asp (NM_001407079.1); c.984G>C, p.Glu328Asp (NM_001407080.1); c.681G>C, p.Glu227Asp (NM_001407082.1, NM_001350650.2, NM_001350651.2); c.1068G>C, p.Glu356Asp (NM_001407083.1, NM_001407085.1); and 5 more; short protein forms E250D, E328D, E353D, E314D, E356D, E367D, E329D, E357D.
Identifiers: ClinVar variation 2089545 (VCV002089545.5), dbSNP rs2524003201, ClinGen allele CA340133527.